The following is an entry in ClinVar:

ClinVar aggregate classification (germline): Likely pathogenic (0 of 4 stars; one submission).

Conditions:
Retinitis pigmentosa 2 (RP2). Also called: Retinitis pigmentosa 2, X linked. Identifiers: Orphanet 791, MedGen C2681923, MONDO:0010723, OMIM 312600.

Submission:

Medical Genetics, Faculty of Medicine, Dokuz Eylül University
Classification: Likely pathogenic for Retinitis pigmentosa 2. Last evaluated: 2025-05-15. Review status: no assertion criteria provided. Collection method: clinical testing. Allele origin: germline. Inheritance: X-linked inheritance. Affected: yes. Observed: 1 hemizygote.
Comment: The RP2 c.181_182del (p.Gln61ValfsTer7) variant causes a frameshift and the formation of a premature stop codon, and it is predicted to undergo nonsense-mediated decay (NMD). RP2 gene is associated with Retinitis pigmentosa 2 (MIM#312600). Loss-of-function variants in RP2 are known to be pathogenic (PMID: 31079036, PMID: 32875684). This variant is absent from population databases. For these reasons, it has been classified as likely pathogenic.

Literature cited by the submitters: PubMed 31079036; PubMed 32875684.

NM_006915.3(RP2):c.181_182del (p.Gln61fs)

Gene: RP2 (RP2 activator of ARL3 GTPase; plus strand). Cytogenetic location: Xp11.3.
Variant type: Deletion.
Coding change: c.181_182del on transcript NM_006915.3 (MANE Select); coding-DNA positions 181 to 182, 2 bases deleted (CA; older notation c.181_182delCA).
Protein change: p.Gln61fs; shifts the reading frame from glutamine 61.
Molecular consequence: frameshift variant.
Genome position (GRCh38, 1-based): chrX:46,853,554-46,853,555, CA deleted; deleting any 2 consecutive bases within chrX:46,853,553-46,853,555 gives the same sequence; the c. name uses the placement nearest the transcript's 3' end. VCF-style (leftmost placement, unchanged base first): chrX-46853552-AAC-A. GRCh37 (hg19) VCF-style: chrX-46712987-AAC-A.
Other names: p.(Gln61ValfsTer7); short protein forms Q61fs.
Identifiers: ClinVar variation 3899301 (VCV003899301.1).